The following is an entry in ClinVar:

ClinVar aggregate classification (germline): Uncertain significance (1 of 4 stars; one submission).

Submission:

Labcorp Genetics (formerly Invitae), Labcorp
Classification: Uncertain significance. Last evaluated: 2022-04-07. Review status: criteria provided, single submitter. Criteria: Invitae Variant Classification Sherloc (09022015). Collection method: clinical testing. Allele origin: germline.
Comment: This variant results in a copy number gain of the genomic region encompassing exon(s) 1-8 of the LAMC3 gene. This region includes the initiator codon of the gene. This copy number gain extends beyond the assayed region for this gene and therefore may encompass additional genes. As the precise location of this event is unknown, it may be in tandem or it may be located elsewhere in the genome. This variant has not been reported in the literature in individuals affected with LAMC3-related conditions. Experimental studies and prediction algorithms are not available or were not evaluated, and the functional significance of this variant is currently unknown. In summary, the available evidence is currently insufficient to determine the role of this variant in disease. Therefore, it has been classified as a Variant of Uncertain Significance.

NC_000009.11:g.(?_133884602)_(133921067_?)dup

Gene: LAMC3 (laminin subunit gamma 3; plus strand). Cytogenetic location: 9q34.12.
Variant type: Duplication.
Identifiers: ClinVar variation 2425486 (VCV002425486.4).